The following is an entry in ClinVar:

ClinVar aggregate classification (germline): Uncertain significance (1 of 4 stars; one submission).

Submission:

Ambry Genetics
Classification: Uncertain significance. Last evaluated: 2024-06-07. Review status: criteria provided, single submitter. Criteria: Ambry Variant Classification Scheme 2023. Collection method: clinical testing. Allele origin: germline.
Comment: The p.G2204R variant (also known as c.6610G>A), located in coding exon 50 of the PRKDC gene, results from a G to A substitution at nucleotide position 6610. The glycine at codon 2204 is replaced by arginine, an amino acid with dissimilar properties. This amino acid position is conserved. In addition, the in silico prediction for this alteration is inconclusive. Based on the available evidence, the clinical significance of this variant remains unclear.

NM_006904.7(PRKDC):c.6610G>A (p.Gly2204Arg)

Gene: PRKDC (protein kinase, DNA-activated, catalytic subunit; minus strand). Cytogenetic location: 8q11.21.
Variant type: single nucleotide variant.
Coding change: c.6610G>A on transcript NM_006904.7 (MANE Select); coding-DNA position 6610, G replaced by A.
Protein change: p.Gly2204Arg; replaces glycine 2204 with arginine.
Molecular consequence: missense variant.
Genome position (GRCh38, 1-based): chr8:47,855,373, C>T on the plus strand (G>A on the coding strand, the complement: PRKDC is on the minus strand). VCF-style: chr8-47855373-C-T. GRCh37 (hg19) VCF-style: chr8-48767934-C-T.
Other names: c.6610G>A, p.Gly2204Arg (NM_001081640.2); short protein forms G2204R.
Identifiers: ClinVar variation 3310056 (VCV003310056.1).